The following is an entry in ClinVar:

ClinVar aggregate classification (germline): Uncertain significance (1 of 4 stars; one submission).

Conditions:
Hereditary cancer-predisposing syndrome. Also called: Neoplastic Syndromes, Hereditary; Tumor predisposition; Hereditary neoplastic syndrome; Hereditary Cancer Syndrome. Identifiers: Orphanet 140162, MedGen C0027672, MeSH D009386, MONDO:0015356.

Submission:

Ambry Genetics
Classification: Uncertain significance for Hereditary cancer-predisposing syndrome. Last evaluated: 2024-05-29. Review status: criteria provided, single submitter. Criteria: Ambry Variant Classification Scheme 2023. Collection method: clinical testing. Allele origin: germline.
Comment: The p.E286D variant (also known as c.858G>T), located in coding exon 6 of the PTCH1 gene, results from a G to T substitution at nucleotide position 858. The glutamic acid at codon 286 is replaced by aspartic acid, an amino acid with highly similar properties. This amino acid position is conserved. In addition, this alteration is predicted to be tolerated by in silico analysis. Based on the available evidence, the clinical significance of this variant remains unclear.

NM_000264.5(PTCH1):c.858G>T (p.Glu286Asp)

Gene: PTCH1 (patched 1; minus strand). Cytogenetic location: 9q22.32.
Variant type: single nucleotide variant.
Coding change: c.858G>T on transcript NM_000264.5 (MANE Select); coding-DNA position 858, G replaced by T.
Protein change: p.Glu286Asp; replaces glutamic acid 286 with aspartic acid.
Molecular consequence: missense variant. On other transcripts: non-coding transcript variant (1).
Genome position (GRCh38, 1-based): chr9:95,480,477, C>A on the plus strand (G>T on the coding strand, the complement: PTCH1 is on the minus strand). VCF-style: chr9-95480477-C-A. GRCh37 (hg19) VCF-style: chr9-98242759-C-A.
Other names: c.660G>T, p.Glu220Asp (NM_001083602.3); c.855G>T, p.Glu285Asp (NM_001083603.3); c.405G>T, p.Glu135Asp (NM_001083604.3, NM_001083605.3, NM_001083606.3 and 1 more transcripts); c.858G>T, p.Glu286Asp (NM_001354918.2); short protein forms E285D, E135D, E220D, E286D.
Identifiers: ClinVar variation 3311192 (VCV003311192.1).